The following is an entry in ClinVar:

NM_000124.4(ERCC6):c.3020dup (p.Thr1008fs)

Gene: ERCC6 (ERCC excision repair 6, chromatin remodeling factor; minus strand). Cytogenetic location: 10q11.23.
Variant type: Duplication.
Coding change: c.3020dup on transcript NM_000124.4 (MANE Select); coding-DNA position 3020, one base duplicated (T; older notation c.3020dupT).
Protein change: p.Thr1008fs; shifts the reading frame from threonine 1008.
Molecular consequence: frameshift variant.
Genome position (GRCh38, 1-based): chr10:49,471,025, A duplicated on the plus strand (T on the coding strand, the reverse complement: ERCC6 is on the minus strand). VCF-style (leftmost placement, unchanged base first): chr10-49471024-C-CA. GRCh37 (hg19) VCF-style: chr10-50679070-C-CA.
Other names: c.3020dup, p.Thr1008fs (NM_001346440.2); short protein forms T1008fs.
Identifiers: ClinVar variation 2748457 (VCV002748457.3), dbSNP rs2495974544, ClinGen allele CA2697558384.

ClinVar aggregate classification (germline): Pathogenic (1 of 4 stars; one submission).

Submission:

Labcorp Genetics (formerly Invitae), Labcorp
Classification: Pathogenic. Last evaluated: 2023-07-30. Review status: criteria provided, single submitter. Criteria: Invitae Variant Classification Sherloc (09022015). Collection method: clinical testing. Allele origin: germline.
Comment: For these reasons, this variant has been classified as Pathogenic. This variant has not been reported in the literature in individuals affected with ERCC6-related conditions. This variant is not present in population databases (gnomAD no frequency). This sequence change creates a premature translational stop signal (p.Thr1008Aspfs*2) in the ERCC6 gene. It is expected to result in an absent or disrupted protein product. Loss-of-function variants in ERCC6 are known to be pathogenic (PMID: 18628313, 29572252).

Literature cited by the submitters: PubMed 18628313; PubMed 29572252.